The following is an entry in ClinVar:

ClinVar aggregate classification (germline): Conflicting classifications of pathogenicity. Review status: criteria provided, conflicting classifications (1 of 4 stars). 2 submissions from 2 submitters: Uncertain significance (1); Likely benign (1). Last evaluated 2024-02-05.

Conditions:
Neuropathy, hereditary sensory, type 2C. Also called: KIF1A-Related HSAN2 (HSAN2C); Hereditary sensory and autonomic neuropathy type IIC. Identifiers: Orphanet 970, MedGen C3280168, MONDO:0013634, OMIM 614213.
Intellectual disability, autosomal dominant 9 (NESCAVS). Also called: NESCAV SYNDROME; KIF1A-Related Neurodevelopmental Disorder. Identifiers: Orphanet 662367, MedGen C5393830, MONDO:0013656, OMIM 614255.
Hereditary spastic paraplegia 30. Identifiers: Orphanet 101010, MedGen C5235139, MONDO:0012476.

Allele frequency attached by ClinVar (database versions not stated): gnomAD exomes below 0.00001; ExAC 0.00001; gnomAD 0.00001.
gnomAD v4.1: 8 of 1,610,192 alleles (0.0005%); highest among the groups gnomAD compares: African/African-American, 0.0013%; no homozygotes.

Submissions (2):

Labcorp Genetics (formerly Invitae), Labcorp
Classification: Likely benign for Hereditary spastic paraplegia 30; Neuropathy, hereditary sensory, type 2C; Intellectual disability, autosomal dominant 9. Last evaluated: 2024-02-05. Review status: criteria provided, single submitter. Criteria: Invitae Variant Classification Sherloc (09022015). Collection method: clinical testing. Allele origin: germline.

CeGaT Center for Human Genetics Tuebingen
Classification: Uncertain significance. Last evaluated: 2022-05-01. Review status: criteria provided, single submitter. Criteria: CeGaT Center For Human Genetics Tuebingen Variant Classification Criteria Version 2. Collection method: clinical testing. Allele origin: germline. Affected: yes. Observed: 1 variant allele.
Comment: KIF1A: PM2, PP2

NM_001244008.2(KIF1A):c.1670G>T (p.Arg557Met)

Gene: KIF1A (kinesin family member 1A; minus strand). Cytogenetic location: 2q37.3.
Variant type: single nucleotide variant.
Coding change: c.1670G>T on transcript NM_001244008.2 (MANE Select); coding-DNA position 1670, G replaced by T.
Protein change: p.Arg557Met; replaces arginine 557 with methionine.
Molecular consequence: missense variant.
Genome position (GRCh38, 1-based): chr2:240,766,929, C>A on the plus strand (G>T on the coding strand, the complement: KIF1A is on the minus strand). VCF-style: chr2-240766929-C-A. GRCh37 (hg19) VCF-style: chr2-241706346-C-A.
Other names: c.1643G>T, p.Arg548Met (NM_001379640.1, NM_001379641.1, NM_001379642.1 and 10 more transcripts); c.1745G>T, p.Arg582Met (NM_001379646.1, NM_001330290.2, NM_001379631.1 and 2 more transcripts); c.1718G>T, p.Arg573Met (NM_001379648.1, NM_001379637.1); c.1670G>T, p.Arg557Met (NM_001320705.2, NM_001330289.2, NM_001379638.1); short protein forms R548M, R557M, R573M, R582M.
Identifiers: ClinVar variation 1474903 (VCV001474903.30), dbSNP rs773904723, ClinGen allele CA2208321.